The following is an entry in ClinVar:

ClinVar aggregate classification (germline): Conflicting classifications of pathogenicity. Review status: criteria provided, conflicting classifications (1 of 4 stars). 2 submissions from 2 submitters: Uncertain significance (1); Likely benign (1). Last evaluated 2020-01-30.

Conditions:
Irido-corneo-trabecular dysgenesis (ASGD5). Also called: ANTERIOR SEGMENT DYSGENESIS 5. Identifiers: Orphanet 708, MedGen C0344559, MONDO:0011414, OMIM 604229, HP:0000659.
Aniridia 1 (AN1). Identifiers: Orphanet 250923, MedGen C0344542, MONDO:0024507, OMIM 106210.

Allele frequency attached by ClinVar (database versions not stated): gnomAD exomes below 0.00001 and 0.00001; ExAC 0.00001; gnomAD 0.00001; TOPMed 0.00001; ESP Exome Variant Server 0.00008.
gnomAD v4.1: 9 of 1,614,004 alleles (0.00056%); highest among the groups gnomAD compares: African/African-American, 0.004%; no homozygotes.

Submissions (2):

GeneDx
Classification: Uncertain significance. Last evaluated: 2020-01-30. Review status: criteria provided, single submitter. Criteria: GeneDx Variant Classification Process June 2021. Collection method: clinical testing. Allele origin: germline. Affected: yes.
Comment: In silico analysis, which includes protein predictors and evolutionary conservation, supports a deleterious effect; Has not been previously reported as pathogenic or benign in a clinical setting to our knowledge

Labcorp Genetics (formerly Invitae), Labcorp
Classification: Likely benign for Aniridia 1; Irido-corneo-trabecular dysgenesis. Last evaluated: 2019-12-13. Review status: criteria provided, single submitter. Criteria: Invitae Variant Classification Sherloc (09022015). Collection method: clinical testing. Allele origin: germline.

NM_001368894.2(PAX6):c.622G>A (p.Gly208Arg)

Gene: PAX6 (paired box 6; minus strand). Cytogenetic location: 11p13.
Variant type: single nucleotide variant.
Coding change: c.622G>A on transcript NM_001368894.2 (MANE Select); coding-DNA position 622, G replaced by A.
Protein change: p.Gly208Arg; replaces glycine 208 with arginine.
Molecular consequence: missense variant. On other transcripts: 5 prime UTR variant (1), non-coding transcript variant (2).
Genome position (GRCh38, 1-based): chr11:31,794,732, C>T on the plus strand (G>A on the coding strand, the complement: PAX6 is on the minus strand). VCF-style: chr11-31794732-C-T. GRCh37 (hg19) VCF-style: chr11-31816280-C-T.
Other names: c.580G>A (NM_000280.3); c.580G>A, p.Gly194Arg (NM_000280.6, NM_001127612.3, NM_001258464.2 and 10 more transcripts); c.622G>A, p.Gly208Arg (NM_001258462.3, NM_001258463.2, NM_001310158.2 and 6 more transcripts); c.172G>A, p.Gly58Arg (NM_001310160.2, NM_001310161.3, NM_001368899.2 and 11 more transcripts); c.823G>A, p.Gly275Arg (NM_001368910.2); c.625G>A, p.Gly209Arg (NM_001368911.2); c.697G>A, p.Gly233Arg (NM_001368918.2, NM_001368919.2); c.655G>A, p.Gly219Arg (NM_001368920.2); and 3 more; short protein forms G208R, G233R, G219R, G209R, G275R, G58R, G127R, G141R.
Identifiers: ClinVar variation 833772 (VCV000833772.11), dbSNP rs374396492, ClinGen allele CA5933838.
Genomic context (GRCh38, chr11:31,794,732, plus strand): 5'-TATTTCTTTGCAGCTTCCGCTTCAGCTGAAGTCGCATTTGAGCCTCATCTGAATCTTCTC[C>T]GTTGGAACTGATGGAGTTGGTATTCTCTCCCCCTCCTTCCTGTTGCTGGCAGCCATCTGG-3'
Protein context (NP_001355823.1, residues 198-218): GENTNSISSN[Gly208Arg]EDSDEAQMRL